The following is an entry in ClinVar:

NM_002496.4(NDUFS8):c.-45A>C

Genes: NDUFS8 (NADH:ubiquinone oxidoreductase core subunit S8; plus strand), LOC112081413 (Sharpr-MPRA regulatory region 5992; plus strand). Cytogenetic location: 11q13.2.
Variant type: single nucleotide variant.
Coding change: c.-45A>C on transcript NM_002496.4 (MANE Select); 45 bases upstream of the start codon, A replaced by C.
Molecular consequence: 5 prime UTR variant.
Genome position (GRCh38, 1-based): chr11:68,030,689, A>C. VCF-style: chr11-68030689-A-C. GRCh37 (hg19) VCF-style: chr11-67798156-A-C.
Identifiers: ClinVar variation 138499 (VCV000138499.6), dbSNP rs4147776, ClinGen allele CA292514.
Genomic context (GRCh38, chr11:68,030,689, plus strand): 5'-AGAAAAGGGGGAACCCGCTGGCCCAATGGCAGCGTCCTACAGTGTAGCCTCCGCCTCCCG[A>C]TTGACTGGCCTGCTTGGCAAGGCAAGTAGCGGCGGCGCTTCAAGGTGGGTGTTCACGTTT-3'

ClinVar aggregate classification (germline): Benign/Likely benign. Review status: criteria provided, multiple submitters, no conflicts (2 of 4 stars). 4 submissions from 3 submitters: Benign (2); Likely benign (2). Last evaluated 2018-04-13.

Conditions:
Mitochondrial complex I deficiency, nuclear type 1. Also called: NADH-COENZYME Q REDUCTASE DEFICIENCY; MITOCHONDRIAL NADH DEHYDROGENASE COMPONENT OF COMPLEX I, DEFICIENCY OF. Identifiers: MedGen C6022305, MONDO:0100224, OMIM 252010.
Leigh syndrome (NULS). Also called: Leigh Disease; Leigh Syndrome (mtDNA deletion); Subacute necrotizing encephalopathy; Necrotizing encephalopathy infantile subacute of Leigh; Leigh's necrotizing encephalopathy; Leigh's disease. Identifiers: Orphanet 506, MedGen C2931891, MONDO:0009723, OMIM 256000.

Allele frequency attached by ClinVar (database versions not stated): gnomAD exomes 0.00644; gnomAD 0.01538 and 0.01566; TOPMed 0.01640; 1000 Genomes Project 30x 0.02545; 1000 Genomes Project 0.02656.
gnomAD v4.1: 3,534 of 329,100 alleles (1.1%); highest among the groups gnomAD compares: East Asian, 7.4%; 69 homozygotes.

Submissions (4):

Illumina Laboratory Services, Illumina
Classification: Likely benign for Mitochondrial complex I deficiency, nuclear type 1. Last evaluated: 2018-04-13. Review status: criteria provided, single submitter. Criteria: ICSL Variant Classification Criteria 13 December 2019. Collection method: clinical testing. Allele origin: germline.
Comment: This variant was observed as part of a predisposition screen in an ostensibly healthy population. A literature search was performed for the gene, cDNA change, and amino acid change (where applicable). Publications were found based on this search. The evidence from the literature, in combination with allele frequency data from public databases where available, was sufficient to determine this variant is unlikely to cause disease. Therefore, this variant is classified as likely benign.

Illumina Laboratory Services, Illumina
Classification: Benign for Leigh syndrome. Last evaluated: 2018-04-13. Review status: criteria provided, single submitter. Criteria: ICSL Variant Classification Criteria 13 December 2019. Collection method: clinical testing. Allele origin: germline.
Comment: This variant was observed as part of a predisposition screen in an ostensibly healthy population. A literature search was performed for the gene, cDNA change, and amino acid change (where applicable). Publications were found based on this search. The evidence from the literature, in combination with allele frequency data from public databases where available, was sufficient to rule this variant out of causing disease. Therefore, this variant is classified as benign.

GeneDx
Classification: Benign. Last evaluated: 2013-12-31. Review status: criteria provided, single submitter. Criteria: GeneDx Variant Classification (06012015). Collection method: clinical testing. Allele origin: germline. Affected: yes.
Comment: This variant is considered likely benign or benign based on one or more of the following criteria: it is a conservative change, it occurs at a poorly conserved position in the protein, it is predicted to be benign by multiple in silico algorithms, and/or has population frequency not consistent with disease.

Breakthrough Genomics
Classification: Likely benign. Review status: criteria provided, single submitter. Criteria: ACMG Guidelines, 2015. Collection method: not provided. Allele origin: germline. Inheritance: Autosomal recessive inheritance. Affected: yes.

Literature cited by the submitters: PubMed 24595071 (cited by Illumina Laboratory Services, Illumina).